The following is an entry in ClinVar:

ClinVar aggregate classification (germline): Likely pathogenic. Review status: criteria provided, single submitter (1 of 4 stars). 2 submissions from 2 submitters: Likely pathogenic (1). 1 of the submissions does not count toward it. Last evaluated 2025-12-14.

Conditions:
Familial thoracic aortic aneurysm and aortic dissection (TAAD). Also called: Thoracic aortic aneurysms and dissections. Identifiers: Orphanet 91387, MedGen C4707243, MONDO:0019625.
Marfan syndrome (MFS). Also called: Marfan syndrome type 1; Marfan syndrome, classic; Marfan's syndrome; FBN1-Related Marfan Syndrome; MARFAN SYNDROME, TYPE I. Identifiers: Orphanet 284963, Orphanet 558, MedGen C0024796, MONDO:0007947, OMIM 154700.

Submissions (2):

Labcorp Genetics (formerly Invitae), Labcorp
Classification: Likely pathogenic for Marfan syndrome; Familial thoracic aortic aneurysm and aortic dissection. Last evaluated: 2025-12-14. Review status: criteria provided, single submitter. Criteria: Invitae Variant Classification Sherloc (09022015). Collection method: clinical testing. Allele origin: germline.
Comment: This sequence change replaces cysteine, which is neutral and slightly polar, with tyrosine, which is neutral and polar, at codon 950 of the FBN1 protein (p.Cys950Tyr). This variant is not present in population databases (gnomAD no frequency). This variant has not been reported in the literature in individuals affected with FBN1-related conditions. ClinVar contains an entry for this variant (Variation ID: 549116). Invitae Evidence Modeling of protein sequence and biophysical properties (such as structural, functional, and spatial information, amino acid conservation, physicochemical variation, residue mobility, and thermodynamic stability) indicates that this missense variant is expected to disrupt FBN1 protein function with a positive predictive value of 95%. This variant affects a cysteine residue in the EGF-like, TGFBP or hybrid motif domains of FBN1. Cysteine residues are believed to be involved in intramolecular disulfide bridges and have been shown to be important for FBN1 protein structure (PMID: 16905551, 19349279). In addition, missense substitutions affecting cysteine residues within these domains are significantly overrepresented among patients with Marfan syndrome (PMID: 16571647, 17701892). This variant disrupts the p.Cys950 amino acid residue in FBN1. Other variant(s) that disrupt this residue have been observed in individuals with FBN1-related conditions (PMID: 31825148, 32679894), which suggests that this may be a clinically significant amino acid residue. In summary, the currently available evidence indicates that the variant is pathogenic, but additional data are needed to prove that conclusively. Therefore, this variant has been classified as Likely Pathogenic.

Center for Medical Genetics Ghent, University of Ghent
Classification: Likely pathogenic for Marfan syndrome. Last evaluated: 2017-11-07. Review status: no assertion criteria provided. Collection method: clinical testing. Allele origin: germline. Affected: yes. Not counted in ClinVar's aggregate classification.

Literature cited by the submitters: PubMed 16905551 (cited by Labcorp Genetics (formerly Invitae), Labcorp); PubMed 19349279 (cited by Labcorp Genetics (formerly Invitae), Labcorp); PubMed 16571647 (cited by Labcorp Genetics (formerly Invitae), Labcorp); PubMed 17701892 (cited by Labcorp Genetics (formerly Invitae), Labcorp); PubMed 31825148 (cited by Labcorp Genetics (formerly Invitae), Labcorp); PubMed 32679894 (cited by Labcorp Genetics (formerly Invitae), Labcorp).

NM_000138.5(FBN1):c.2849G>A (p.Cys950Tyr)

Gene: FBN1 (fibrillin 1; minus strand). Cytogenetic location: 15q21.1.
Variant type: single nucleotide variant.
Coding change: c.2849G>A on transcript NM_000138.5 (MANE Select); coding-DNA position 2849, G replaced by A.
Protein change: p.Cys950Tyr; replaces cysteine 950 with tyrosine.
Molecular consequence: missense variant.
Genome position (GRCh38, 1-based): chr15:48,492,466, C>T on the plus strand (G>A on the coding strand, the complement: FBN1 is on the minus strand). VCF-style: chr15-48492466-C-T. GRCh37 (hg19) VCF-style: chr15-48784663-C-T.
Other names: short protein forms C950Y.
Identifiers: ClinVar variation 549116 (VCV000549116.2), dbSNP rs1555398974, ClinGen allele CA392330411.
Genomic context (GRCh38, chr15:48,492,466, plus strand): 5'-TTTTTAATAATCGTTAATAAATTATTATTAGAAAAATAATGAGCTCAGTATTTACCAAGA[C>T]AGATCCTTCCTGTGGCATCCAAAGTCATTCCACTGGGACACTGACACTTGAATGACCCCC-3'
Protein context (NP_000129.3, residues 940-960): GMTLDATGRI[Cys950Tyr]LDIRLETCFL